The following is an entry in ClinVar:

ClinVar aggregate classification (germline): Pathogenic/Likely pathogenic. Review status: criteria provided, multiple submitters, no conflicts (2 of 4 stars). 8 submissions from 8 submitters: Pathogenic (6); Likely pathogenic (1). 1 of the submissions does not count toward it. Last evaluated 2024-10-04.

Conditions:
Autosomal recessive limb-girdle muscular dystrophy type R18 (LGMDR18). Also called: Limb-girdle muscular dystrophy, type 2S; MUSCULAR DYSTROPHY, LIMB-GIRDLE, AUTOSOMAL RECESSIVE 18; Autosomal recessive limb-girdle muscular dystrophy type 2S. Identifiers: Orphanet 369840, MedGen C4517996, MONDO:0014144, OMIM 615356.
Muscular dystrophy. Identifiers: Orphanet 98473, MedGen C0026850, MeSH D009136, MONDO:0020121, HP:0003560.

Allele frequency attached by ClinVar (database versions not stated): gnomAD 0.00001; gnomAD exomes 0.00001 and 0.00007; TOPMed 0.00002; ExAC 0.00004.

Submissions (8):

Dubai Health Genomic Medicine Center, Dubai Health
Classification: Pathogenic for Muscular dystrophy. Last evaluated: 2024-10-04. Review status: criteria provided, single submitter. Criteria: ACMG Guidelines, 2015. Collection method: research. Allele origin: germline. Affected: yes.
Comment: PS3,PP1,PM3(strong),PM2,PP3

Labcorp Genetics (formerly Invitae), Labcorp
Classification: Pathogenic for Autosomal recessive limb-girdle muscular dystrophy type R18. Last evaluated: 2024-04-22. Review status: criteria provided, single submitter. Criteria: Invitae Variant Classification Sherloc (09022015). Collection method: clinical testing. Allele origin: germline.
Comment: This sequence change replaces glycine, which is neutral and non-polar, with arginine, which is basic and polar, at codon 980 of the TRAPPC11 protein (p.Gly980Arg). This variant is present in population databases (rs397509417, gnomAD 0.08%). This missense change has been observed in individual(s) with TRAPPC11-related conditions (PMID: 23830518, 26322222; Invitae). In at least one individual the data is consistent with being in trans (on the opposite chromosome) from a pathogenic variant. It has also been observed to segregate with disease in related individuals. ClinVar contains an entry for this variant (Variation ID: 60510). Advanced modeling of protein sequence and biophysical properties (such as structural, functional, and spatial information, amino acid conservation, physicochemical variation, residue mobility, and thermodynamic stability) performed at Invitae indicates that this missense variant is expected to disrupt TRAPPC11 protein function with a positive predictive value of 80%. Experimental studies have shown that this missense change affects TRAPPC11 function (PMID: 23830518, 26912795). For these reasons, this variant has been classified as Pathogenic.

Genomic Medicine Center of Excellence, King Faisal Specialist Hospital and Research Centre
Classification: Pathogenic for Autosomal recessive limb-girdle muscular dystrophy type R18. Last evaluated: 2024-03-14. Review status: criteria provided, single submitter. Criteria: ACMG Guidelines, 2015. Collection method: research. Allele origin: germline.

Fulgent Genetics
Classification: Pathogenic for Autosomal recessive limb-girdle muscular dystrophy type R18. Last evaluated: 2024-02-12. Review status: criteria provided, single submitter. Criteria: ACMG Guidelines, 2015. Collection method: clinical testing. Allele origin: germline.

MGZ Medical Genetics Center
Classification: Likely pathogenic for Autosomal recessive limb-girdle muscular dystrophy type R18. Last evaluated: 2022-08-29. Review status: criteria provided, single submitter. Criteria: ACMG Guidelines, 2015. Collection method: clinical testing. Allele origin: germline. Affected: yes. Observed: 1 variant allele.
Comment: ACMG criteria applied: PS4_MOD, PM3, PM2_SUP, PP1, PP3

Baylor Genetics
Classification: Pathogenic for Autosomal recessive limb-girdle muscular dystrophy type R18. Last evaluated: 2017-09-01. Review status: criteria provided, single submitter. Criteria: ACMG Guidelines, 2015. Collection method: clinical testing. Allele origin: germline. Inheritance: Autosomal recessive inheritance. Affected: yes.

Juno Genomics, Hangzhou Juno Genomics, Inc
Classification: Pathogenic for Autosomal recessive limb-girdle muscular dystrophy type R18. Review status: criteria provided, single submitter. Criteria: ACMG Guidelines, 2015. Collection method: clinical testing. Allele origin: germline. Affected: yes.
Comment: Absent from controls (or at extremely low frequency if recessive) in Genome Aggregation Database, Exome Sequencing Project, 1000 Genomes Project, or Exome Aggregation Consortium.;Multiple lines of computational evidence support a deleterious effect on the gene or gene product (conservation, evolutionary, splicing impact, etc).;For recessive disorders, detected in trans with a pathogenic variant.;Patient's phenotype or family history is highly specific for a disease with a single genetic etiology.

OMIM
Classification: Pathogenic for MUSCULAR DYSTROPHY, LIMB-GIRDLE, AUTOSOMAL RECESSIVE 18. Last evaluated: 2013-07-11. Review status: no assertion criteria provided. Collection method: literature only. Allele origin: germline. Not counted in ClinVar's aggregate classification.

Literature cited by the submitters: PubMed 23830518 (cited by 3 submitters); PubMed 26322222 (cited by Labcorp Genetics (formerly Invitae), Labcorp and OMIM); PubMed 26912795 (cited by Labcorp Genetics (formerly Invitae), Labcorp and OMIM); PubMed 25326635 (cited by Baylor Genetics).

NM_021942.6(TRAPPC11):c.2938G>A (p.Gly980Arg)

Gene: TRAPPC11 (trafficking protein particle complex subunit 11; plus strand). Cytogenetic location: 4q35.1.
Variant type: single nucleotide variant.
Coding change: c.2938G>A on transcript NM_021942.6 (MANE Select); coding-DNA position 2938, G replaced by A.
Protein change: p.Gly980Arg; replaces glycine 980 with arginine.
Molecular consequence: missense variant.
Genome position (GRCh38, 1-based): chr4:183,701,783, G>A. VCF-style: chr4-183701783-G-A. GRCh37 (hg19) VCF-style: chr4-184622936-G-A.
Other names: c.2938G>A, p.Gly980Arg (NM_199053.3); short protein forms G980R.
Identifiers: ClinVar variation 60510 (VCV000060510.20), dbSNP rs397509417, ClinGen allele CA144539.
Genomic context (GRCh38, chr4:183,701,783, plus strand): 5'-AGTGAATGCTTTTGTCTTCAATGCCCATCTCTTGGAAATATTGAAGGTGGAGTAGCAACC[G>A]GGCATTATATTATCTCTTGGAAAAGGTAAGAATTATGTCAATCCTGTCTTTTCTTCAATG-3'
Protein context (NP_068761.4, residues 970-990): LGNIEGGVAT[Gly980Arg]HYIISWKRTS